The following is an entry in ClinVar:

NM_001256715.2(DNAAF3):c.1111C>T (p.His371Tyr)

Genes: DNAAF3 (dynein axonemal assembly factor 3; minus strand), DNAAF3-AS1 (DNAAF3 antisense RNA 1; plus strand). Cytogenetic location: 19q13.42.
Variant type: single nucleotide variant.
Coding change: c.1111C>T on transcript NM_001256715.2 (MANE Select); coding-DNA position 1111, C replaced by T.
Protein change: p.His371Tyr; replaces histidine 371 with tyrosine.
Molecular consequence: missense variant.
Genome position (GRCh38, 1-based): chr19:55,159,951, G>A on the plus strand (C>T on the coding strand, the complement: DNAAF3 is on the minus strand). VCF-style: chr19-55159951-G-A. GRCh37 (hg19) VCF-style: chr19-55671319-G-A.
Other names: c.1312C>T, p.His438Tyr (NM_001256714.1); c.949C>T, p.His317Tyr (NM_001256716.2); c.1252C>T, p.His418Tyr (NM_178837.4); short protein forms H317Y, H371Y, H418Y, H438Y.
Identifiers: ClinVar variation 1413668 (VCV001413668.6), dbSNP rs2085791092, ClinGen allele CA407449207.

ClinVar aggregate classification (germline): Uncertain significance (1 of 4 stars; one submission).

Conditions:
Primary ciliary dyskinesia. Also called: Ciliary dyskinesia. Identifiers: Orphanet 244, MedGen C0008780, MONDO:0016575, HP:0012265.

Allele frequency attached by ClinVar (database versions not stated): TOPMed below 0.00001.

Submission:

Labcorp Genetics (formerly Invitae), Labcorp
Classification: Uncertain significance for Primary ciliary dyskinesia. Last evaluated: 2021-11-04. Review status: criteria provided, single submitter. Criteria: Invitae Variant Classification Sherloc (09022015). Collection method: clinical testing. Allele origin: germline.
Comment: Algorithms developed to predict the effect of missense changes on protein structure and function are either unavailable or do not agree on the potential impact of this missense change (SIFT: "Tolerated"; PolyPhen-2: "Probably Damaging"; Align-GVGD: "Class C0"). In summary, the available evidence is currently insufficient to determine the role of this variant in disease. Therefore, it has been classified as a Variant of Uncertain Significance. This variant has not been reported in the literature in individuals affected with DNAAF3-related conditions. This variant is not present in population databases (gnomAD no frequency). This sequence change replaces histidine, which is basic and polar, with tyrosine, which is neutral and polar, at codon 438 of the DNAAF3 protein (p.His438Tyr).